The following is an entry in ClinVar:

ClinVar aggregate classification (germline): Uncertain significance (1 of 4 stars; one submission).

Submission:

GeneDx
Classification: Uncertain significance. Last evaluated: 2023-06-29. Review status: criteria provided, single submitter. Criteria: GeneDx Variant Classification Process June 2021. Collection method: clinical testing. Allele origin: germline. Affected: yes.
Comment: Not observed at significant frequency in large population cohorts (gnomAD); In silico analysis supports that this missense variant has a deleterious effect on protein structure/function; Has not been previously published as pathogenic or benign to our knowledge

NM_021072.4(HCN1):c.1006A>G (p.Met336Val)

Gene: HCN1 (hyperpolarization activated cyclic nucleotide gated potassium channel 1; minus strand). Cytogenetic location: 5p12.
Variant type: single nucleotide variant.
Coding change: c.1006A>G on transcript NM_021072.4 (MANE Select); coding-DNA position 1006, A replaced by G.
Protein change: p.Met336Val; replaces methionine 336 with valine.
Molecular consequence: missense variant.
Genome position (GRCh38, 1-based): chr5:45,461,851, T>C on the plus strand (A>G on the coding strand, the complement: HCN1 is on the minus strand). VCF-style: chr5-45461851-T-C. GRCh37 (hg19) VCF-style: chr5-45461953-T-C.
Other names: short protein forms M336V.
Identifiers: ClinVar variation 3360673 (VCV003360673.1).